The following is an entry in ClinVar:

NM_000814.6(GABRB3):c.151C>A (p.Arg51Ser)

Gene: GABRB3 (gamma-aminobutyric acid type A receptor subunit beta3; minus strand). Cytogenetic location: 15q12.
Variant type: single nucleotide variant.
Coding change: c.151C>A on transcript NM_000814.6 (MANE Select); coding-DNA position 151, C replaced by A.
Protein change: p.Arg51Ser; replaces arginine 51 with serine.
Molecular consequence: missense variant. On other transcripts: 5 prime UTR variant (1).
Genome position (GRCh38, 1-based): chr15:26,772,702, G>T on the plus strand (C>A on the coding strand, the complement: GABRB3 is on the minus strand). VCF-style: chr15-26772702-G-T. GRCh37 (hg19) VCF-style: chr15-27017849-G-T.
Other names: c.-201C>A (NM_001278631.2); c.151C>A, p.Arg51Ser (NM_021912.5); short protein forms R51S.
Identifiers: ClinVar variation 3754032 (VCV003754032.3).

ClinVar aggregate classification (germline): Conflicting classifications of pathogenicity. Review status: criteria provided, conflicting classifications (1 of 4 stars). 2 submissions from 2 submitters: Likely pathogenic (1); Uncertain significance (1). Last evaluated 2025-01-01.

Conditions:
Developmental and epileptic encephalopathy, 43 (DEE43). Also called: Epileptic encephalopathy, early infantile, 43. Identifiers: MedGen C4310712, MONDO:0014921, OMIM 617113.
Epilepsy, childhood absence, susceptibility to, 1. Also called: Epilepsy, childhood absence 1. Identifiers: Orphanet 64280, MedGen C1838604, MONDO:0020759, OMIM 600131.
Epilepsy, childhood absence, susceptibility to, 5. Identifiers: Orphanet 64280, MedGen C2677087, MONDO:0012843, OMIM 612269.

Submissions (2):

Center of Human Genetics, Hôpital Erasme
Classification: Likely pathogenic for Developmental and epileptic encephalopathy, 43. Last evaluated: 2025-01-01. Review status: criteria provided, single submitter. Criteria: ACMG Guidelines, 2015. Collection method: clinical testing. Allele origin: de novo. Affected: yes.

Labcorp Genetics (formerly Invitae), Labcorp
Classification: Uncertain significance for Epilepsy, childhood absence, susceptibility to, 5; Epilepsy, childhood absence, susceptibility to, 1. Last evaluated: 2024-11-04. Review status: criteria provided, single submitter. Criteria: Invitae Variant Classification Sherloc (09022015). Collection method: clinical testing. Allele origin: germline.
Comment: This sequence change replaces arginine, which is basic and polar, with serine, which is neutral and polar, at codon 51 of the GABRB3 protein (p.Arg51Ser). This variant is not present in population databases (gnomAD no frequency). This variant has not been reported in the literature in individuals affected with GABRB3-related conditions. Invitae Evidence Modeling of protein sequence and biophysical properties (such as structural, functional, and spatial information, amino acid conservation, physicochemical variation, residue mobility, and thermodynamic stability) has been performed for this missense variant. However, the output from this modeling did not meet the statistical confidence thresholds required to predict the impact of this variant on GABRB3 protein function. In summary, the available evidence is currently insufficient to determine the role of this variant in disease. Therefore, it has been classified as a Variant of Uncertain Significance.